The following is an entry in ClinVar:

NM_001942.4(DSG1):c.529A>G (p.Met177Val)

Gene: DSG1 (desmoglein 1; plus strand). Cytogenetic location: 18q12.1.
Variant type: single nucleotide variant.
Coding change: c.529A>G on transcript NM_001942.4 (MANE Select); coding-DNA position 529, A replaced by G.
Protein change: p.Met177Val; replaces methionine 177 with valine.
Molecular consequence: missense variant.
Genome position (GRCh38, 1-based): chr18:31,331,712, A>G. VCF-style: chr18-31331712-A-G. GRCh37 (hg19) VCF-style: chr18-28911675-A-G.
Other names: short protein forms M177V.
Identifiers: ClinVar variation 4696525 (VCV004696525.1).

ClinVar aggregate classification (germline): Uncertain significance (1 of 4 stars; one submission).

Submission:

Labcorp Genetics (formerly Invitae), Labcorp
Classification: Uncertain significance. Last evaluated: 2025-12-20. Review status: criteria provided, single submitter. Criteria: Invitae Variant Classification Sherloc (09022015). Collection method: clinical testing. Allele origin: germline.
Comment: This sequence change replaces methionine, which is neutral and non-polar, with valine, which is neutral and non-polar, at codon 177 of the DSG1 protein (p.Met177Val). This variant is present in population databases (rs776262710, gnomAD 0.0009%). This variant has not been reported in the literature in individuals affected with DSG1-related conditions. Invitae Evidence Modeling of protein sequence and biophysical properties (such as structural, functional, and spatial information, amino acid conservation, physicochemical variation, residue mobility, and thermodynamic stability) indicates that this missense variant is not expected to disrupt DSG1 protein function with a negative predictive value of 80%. In summary, the available evidence is currently insufficient to determine the role of this variant in disease. Therefore, it has been classified as a Variant of Uncertain Significance.